The following is an entry in ClinVar:

ClinVar aggregate classification (germline): Uncertain significance (1 of 4 stars; one submission).

Conditions:
Candidiasis, familial, 9 (CANDF9). Identifiers: Orphanet 1334, MedGen C4225324, MONDO:0014642, OMIM 616445.

Allele frequency attached by ClinVar (database versions not stated): ExAC 0.00003.

Submission:

Labcorp Genetics (formerly Invitae), Labcorp
Classification: Uncertain significance for Candidiasis, familial, 9. Last evaluated: 2022-08-31. Review status: criteria provided, single submitter. Criteria: Invitae Variant Classification Sherloc (09022015). Collection method: clinical testing. Allele origin: germline.
Comment: In summary, the available evidence is currently insufficient to determine the role of this variant in disease. Therefore, it has been classified as a Variant of Uncertain Significance. Algorithms developed to predict the effect of sequence changes on RNA splicing suggest that this variant is not likely to affect RNA splicing. This variant has not been reported in the literature in individuals affected with IL17RC-related conditions. The frequency data for this variant in the population databases is considered unreliable, as metrics indicate poor data quality at this position in the gnomAD database. This sequence change affects codon 164 of the IL17RC mRNA. It is a 'silent' change, meaning that it does not change the encoded amino acid sequence of the IL17RC protein. It affects a nucleotide within the consensus splice site.

NM_153460.4(IL17RC):c.279T>C (p.His93=)

Gene: IL17RC (interleukin 17 receptor C; plus strand). Cytogenetic location: 3p25.3.
Variant type: single nucleotide variant.
Coding change: c.279T>C on transcript NM_153460.4 (MANE Select); coding-DNA position 279, T replaced by C.
Protein change: p.His93=; no amino-acid change (histidine 93 retained).
Molecular consequence: synonymous variant. On other transcripts: non-coding transcript variant (1).
Genome position (GRCh38, 1-based): chr3:9,918,074, T>C. VCF-style: chr3-9918074-T-C. GRCh37 (hg19) VCF-style: chr3-9959758-T-C.
Other names: c.279T>C, p.His93= (NM_001203263.2, NM_001203264.2, NM_001203265.2 and 5 more transcripts); c.492T>C, p.His164= (NM_153461.4).
Identifiers: ClinVar variation 1990659 (VCV001990659.4), dbSNP rs769514828, ClinGen allele CA2246785.